The following is an entry in ClinVar:

ClinVar aggregate classification (germline): Uncertain significance (1 of 4 stars; one submission).

Conditions:
Autosomal dominant hypocalcemia 1 (HYPOC1). Also called: HYPOCALCEMIA, FAMILIAL. Identifiers: MedGen C3715128, MONDO:0011013, OMIM 601198.
Familial hypocalciuric hypercalcemia (FHH). Also called: Familial benign hypercalcemia. Identifiers: Orphanet 405, MedGen C1809471, MONDO:0018458.

Submission:

Labcorp Genetics (formerly Invitae), Labcorp
Classification: Uncertain significance for Familial hypocalciuric hypercalcemia; Autosomal dominant hypocalcemia 1. Last evaluated: 2022-03-08. Review status: criteria provided, single submitter. Criteria: Invitae Variant Classification Sherloc (09022015). Collection method: clinical testing. Allele origin: germline.
Comment: In summary, the available evidence is currently insufficient to determine the role of this variant in disease. Therefore, it has been classified as a Variant of Uncertain Significance. Algorithms developed to predict the effect of missense changes on protein structure and function (SIFT, PolyPhen-2, Align-GVGD) all suggest that this variant is likely to be disruptive. This missense change has been observed in individual(s) with hypocalciuric hypercalcemia (PMID: 30407919). This variant is not present in population databases (gnomAD no frequency). This sequence change replaces alanine, which is neutral and non-polar, with aspartic acid, which is acidic and polar, at codon 887 of the CASR protein (p.Ala887Asp).

Literature cited by the submitters: PubMed 30407919.

NM_000388.4(CASR):c.2660C>A (p.Ala887Asp)

Gene: CASR (calcium sensing receptor; plus strand). Cytogenetic location: 3q21.1.
Variant type: single nucleotide variant.
Coding change: c.2660C>A on transcript NM_000388.4 (MANE Select); coding-DNA position 2660, C replaced by A.
Protein change: p.Ala887Asp; replaces alanine 887 with aspartic acid.
Molecular consequence: missense variant.
Genome position (GRCh38, 1-based): chr3:122,284,614, C>A. VCF-style: chr3-122284614-C-A. GRCh37 (hg19) VCF-style: chr3-122003461-C-A.
Other names: c.2690C>A, p.Ala897Asp (NM_001178065.2); short protein forms A897D, A887D.
Identifiers: ClinVar variation 2159406 (VCV002159406.4), dbSNP rs2473281221, ClinGen allele CA354160507.